The following is an entry in ClinVar:

ClinVar aggregate classification (germline): Likely benign. Review status: reviewed by expert panel (3 of 4 stars). 2 submissions from 2 submitters: Likely benign (1). 1 of the submissions does not count toward it. Last evaluated 2017-06-29.

Conditions:
Breast-ovarian cancer, familial, susceptibility to, 2 (BROVCA2). Also called: BRCA2 Hereditary Breast and Ovarian Cancer. Identifiers: Orphanet 145, MedGen C2675520, MONDO:0012933, OMIM 612555. Disease mechanism: loss of function.
Hereditary cancer-predisposing syndrome. Also called: Hereditary neoplastic syndrome; Tumor predisposition; Neoplastic Syndromes, Hereditary; Hereditary Cancer Syndrome. Identifiers: Orphanet 140162, MedGen C0027672, MeSH D009386, MONDO:0015356.

Allele frequency attached by ClinVar (database versions not stated): gnomAD exomes 0.00001; ExAC 0.00002.
gnomAD v4.1: 3 of 1,613,914 alleles (0.00019%); highest among the groups gnomAD compares: Non-Finnish European, 0.00025%; no homozygotes.

Submissions (2):

Evidence-based Network for the Interpretation of Germline Mutant Alleles (ENIGMA)
Classification: Likely benign for Breast-ovarian cancer, familial, susceptibility to, 2. Last evaluated: 2017-06-29. Review status: reviewed by expert panel. Criteria: ENIGMA BRCA1/2 Classification Criteria (2017-06-29). Collection method: curation. Allele origin: germline.
Comment: Synonymous substitution variant, with low bioinformatic likelihood to result in a splicing aberration (Splicing prior probability 0.02).

Ambry Genetics
Classification: Likely benign for Hereditary cancer-predisposing syndrome. Last evaluated: 2019-05-11. Review status: criteria provided, single submitter. Criteria: Ambry Variant Classification Scheme 2023. Collection method: clinical testing. Allele origin: germline. Not counted in ClinVar's aggregate classification.

NM_000059.4(BRCA2):c.6084A>G (p.Glu2028=)

Gene: BRCA2 (BRCA2 DNA repair associated; plus strand). Cytogenetic location: 13q13.1.
Variant type: single nucleotide variant.
Coding change: c.6084A>G on transcript NM_000059.4 (MANE Select); coding-DNA position 6084, A replaced by G.
Protein change: p.Glu2028=; no amino-acid change (glutamic acid 2028 retained).
Molecular consequence: synonymous variant.
Genome position (GRCh38, 1-based): chr13:32,340,439, A>G. VCF-style: chr13-32340439-A-G. GRCh37 (hg19) VCF-style: chr13-32914576-A-G.
Identifiers: ClinVar variation 427547 (VCV000427547.7), dbSNP rs747773227, ClinGen allele CA6940927.